The following is an entry in ClinVar:

NM_002972.4(SBF1):c.3008G>T (p.Ser1003Ile)

Gene: SBF1 (SET binding factor 1; minus strand). Cytogenetic location: 22q13.33.
Variant type: single nucleotide variant.
Coding change: c.3008G>T on transcript NM_002972.4 (MANE Select); coding-DNA position 3008, G replaced by T.
Protein change: p.Ser1003Ile; replaces serine 1003 with isoleucine.
Molecular consequence: missense variant.
Genome position (GRCh38, 1-based): chr22:50,460,672, C>A on the plus strand (G>T on the coding strand, the complement: SBF1 is on the minus strand). VCF-style: chr22-50460672-C-A. GRCh37 (hg19) VCF-style: chr22-50899101-C-A.
Other names: c.3011G>T, p.Ser1004Ile (NM_001365819.1); short protein forms S1003I, S1004I.
Identifiers: ClinVar variation 1461395 (VCV001461395.8), dbSNP rs761035565, ClinGen allele CA412207576.

ClinVar aggregate classification (germline): Uncertain significance (1 of 4 stars; one submission).

Allele frequency attached by ClinVar (database versions not stated): gnomAD 0.00001.
gnomAD v4.1: 20 of 1,613,760 alleles (0.0012%); highest among the groups gnomAD compares: African/African-American, 0.0053%; no homozygotes.

Submission:

Labcorp Genetics (formerly Invitae), Labcorp
Classification: Uncertain significance. Last evaluated: 2021-06-22. Review status: criteria provided, single submitter. Criteria: Invitae Variant Classification Sherloc (09022015). Collection method: clinical testing. Allele origin: germline.
Comment: This variant has not been reported in the literature in individuals with SBF1-related conditions. Algorithms developed to predict the effect of missense changes on protein structure and function (SIFT, PolyPhen-2, Align-GVGD) all suggest that this variant is likely to be tolerated, but these predictions have not been confirmed by published functional studies and their clinical significance is uncertain. This variant is not present in population databases (ExAC no frequency). In summary, the available evidence is currently insufficient to determine the role of this variant in disease. Therefore, it has been classified as a Variant of Uncertain Significance. This sequence change replaces serine with isoleucine at codon 1003 of the SBF1 protein (p.Ser1003Ile). The serine residue is moderately conserved and there is a large physicochemical difference between serine and isoleucine.